The following is an entry in ClinVar:

NM_014915.3(ANKRD26):c.4271A>T (p.Asp1424Val)

Gene: ANKRD26 (ankyrin repeat domain 26; minus strand). Cytogenetic location: 10p12.1.
Variant type: single nucleotide variant.
Coding change: c.4271A>T on transcript NM_014915.3 (MANE Select); coding-DNA position 4271, A replaced by T.
Protein change: p.Asp1424Val; replaces aspartic acid 1424 with valine.
Molecular consequence: missense variant.
Genome position (GRCh38, 1-based): chr10:27,017,737, T>A on the plus strand (A>T on the coding strand, the complement: ANKRD26 is on the minus strand). VCF-style: chr10-27017737-T-A. GRCh37 (hg19) VCF-style: chr10-27306666-T-A.
Other names: c.4268A>T, p.Asp1423Val (NM_001256053.2); short protein forms D1424V, D1423V.
Identifiers: ClinVar variation 2890210 (VCV002890210.5), dbSNP rs560228865, ClinGen allele CA5447821.
Genomic context (GRCh38, chr10:27,017,737, plus strand): 5'-CATTTCTTTTGTACTGTTTTCATAGATAACAACTCCTCTTGAAGAATTTGGTTCTTTGTA[T>A]CCAGATGTAGACATTTTGAACCTGCAGTCTCCAGTTCTGCTGTAAGATCATCAATCTGAA-3'
Protein context (NP_055730.2, residues 1414-1434): ETAGSKCLHL[Asp1424Val]TKNQILQEEL

ClinVar aggregate classification (germline): Uncertain significance. Review status: criteria provided, multiple submitters, no conflicts (2 of 4 stars). 3 submissions from 3 submitters: Uncertain significance (3). Last evaluated 2026-02-01.

Conditions:
Inborn genetic diseases. Identifiers: MedGen C0950123, MeSH D030342.
Thrombocytopenia 2 (THC2). Also called: ANKRD26-Related Thrombocytopenia. Identifiers: Orphanet 268322, MedGen C1861185, MONDO:0008555, OMIM 188000.

Allele frequency attached by ClinVar (database versions not stated): ExAC 0.00001; gnomAD 0.00001; TOPMed 0.00002; 1000 Genomes Project 0.00020; 1000 Genomes Project 30x 0.00031.
gnomAD v4.1: 7 of 1,613,312 alleles (0.00043%); highest among the groups gnomAD compares: Admixed American, 0.01%; no homozygotes.

Submissions (3):

Labcorp Genetics (formerly Invitae), Labcorp
Classification: Uncertain significance. Last evaluated: 2026-02-01. Review status: criteria provided, single submitter. Criteria: Invitae Variant Classification Sherloc (09022015). Collection method: clinical testing. Allele origin: germline.
Comment: This sequence change replaces aspartic acid, which is acidic and polar, with valine, which is neutral and non-polar, at codon 1424 of the ANKRD26 protein (p.Asp1424Val). The frequency data for this variant in the population databases is considered unreliable, as metrics indicate poor data quality at this position in the gnomAD database. This variant has not been reported in the literature in individuals affected with ANKRD26-related conditions. ClinVar contains an entry for this variant (Variation ID: 2890210). An algorithm developed to predict the effect of missense changes on protein structure and function (PolyPhen-2) suggests that this variant is likely to be disruptive. In summary, the available evidence is currently insufficient to determine the role of this variant in disease. Therefore, it has been classified as a Variant of Uncertain Significance.

Ambry Genetics
Classification: Uncertain significance for Inborn genetic diseases. Last evaluated: 2024-11-20. Review status: criteria provided, single submitter. Criteria: Ambry Variant Classification Scheme 2023. Collection method: clinical testing. Allele origin: germline.
Comment: The p.D1424V variant (also known as c.4271A>T), located in coding exon 30 of the ANKRD26 gene, results from an A to T substitution at nucleotide position 4271. The aspartic acid at codon 1424 is replaced by valine, an amino acid with highly dissimilar properties. This amino acid position is conserved. In addition, this alteration is predicted to be tolerated by in silico analysis. Based on the available evidence, the clinical significance of this variant remains unclear.

Fulgent Genetics
Classification: Uncertain significance for Thrombocytopenia 2. Last evaluated: 2024-06-18. Review status: criteria provided, single submitter. Criteria: ACMG Guidelines, 2015. Collection method: clinical testing. Allele origin: germline.